The following is an entry in ClinVar:

ClinVar aggregate classification (germline): Uncertain significance (1 of 4 stars; one submission).

Conditions:
Developmental and epileptic encephalopathy. Identifiers: MedGen C5779964, MONDO:0100620.

Submission:

Labcorp Genetics (formerly Invitae), Labcorp
Classification: Uncertain significance for Early-infantile DEE. Last evaluated: 2020-09-10. Review status: criteria provided, single submitter. Criteria: Invitae Variant Classification Sherloc (09022015). Collection method: clinical testing. Allele origin: germline.
Comment: This variant results in a copy number gain of the genomic region encompassing the full coding sequence of the SLC25A22 gene. The boundaries of this event are unknown as they extend beyond the assayed region for this gene and therefore may encompass additional genes. As the precise location of this event is unknown, it may be in tandem or it may be located elsewhere in the genome. This variant has not been reported in the literature in individuals with SLC25A22-related conditions. In summary, the available evidence is currently insufficient to determine the role of this variant in disease. Therefore, it has been classified as a Variant of Uncertain Significance.

NC_000011.9:g.(?_298501)_(4113028_?)dup

Genes: B4GALNT4 (beta-1,4-N-acetyl-galactosaminyltransferase 4; plus strand), ANO9 (anoctamin 9; minus strand), AP2A2 (adaptor related protein complex 2 subunit alpha 2; plus strand), ART1 (ADP-ribosyltransferase 1; plus strand), ART5 (ADP-ribosyltransferase 5; minus strand) and 86 more. Cytogenetic location: 11p15.5-15.4.
Variant type: Duplication.
Identifiers: ClinVar variation 1017523 (VCV001017523.2).